The following is an entry in ClinVar:

NM_001385641.1(SAMD11):c.2527C>G (p.Leu843Val)

Gene: SAMD11 (sterile alpha motif domain containing 11; plus strand). Cytogenetic location: 1p36.33.
Variant type: single nucleotide variant.
Coding change: c.2527C>G on transcript NM_001385641.1 (MANE Select); coding-DNA position 2527, C replaced by G.
Protein change: p.Leu843Val; replaces leucine 843 with valine.
Molecular consequence: missense variant.
Genome position (GRCh38, 1-based): chr1:944,145, C>G. VCF-style: chr1-944145-C-G. GRCh37 (hg19) VCF-style: chr1-879525-C-G.
Other names: c.2530C>G, p.Leu844Val (NM_001385640.1); c.2038C>G, p.Leu680Val (NM_152486.4); c.2038C>G (NM_152486.2); short protein forms L843V, L680V, L844V.
Identifiers: ClinVar variation 1464773 (VCV001464773.8), dbSNP rs750926602, ClinGen allele CA503459.

ClinVar aggregate classification (germline): Uncertain significance. Review status: criteria provided, multiple submitters, no conflicts (2 of 4 stars). 2 submissions from 2 submitters: Uncertain significance (2). Last evaluated 2025-04-12.

Allele frequency attached by ClinVar (database versions not stated): gnomAD exomes 0.00001; ExAC 0.00001.

Submissions (2):

Ambry Genetics
Classification: Uncertain significance. Last evaluated: 2025-04-12. Review status: criteria provided, single submitter. Criteria: Ambry Variant Classification Scheme 2023. Collection method: clinical testing. Allele origin: germline.

Labcorp Genetics (formerly Invitae), Labcorp
Classification: Uncertain significance. Last evaluated: 2022-07-26. Review status: criteria provided, single submitter. Criteria: Invitae Variant Classification Sherloc (09022015). Collection method: clinical testing. Allele origin: germline.
Comment: In summary, the available evidence is currently insufficient to determine the role of this variant in disease. Therefore, it has been classified as a Variant of Uncertain Significance. Algorithms developed to predict the effect of sequence changes on RNA splicing suggest that this variant may create or strengthen a splice site. Algorithms developed to predict the effect of missense changes on protein structure and function are either unavailable or do not agree on the potential impact of this missense change (SIFT: "Tolerated"; PolyPhen-2: "Probably Damaging"; Align-GVGD: "Class C0"). ClinVar contains an entry for this variant (Variation ID: 1464773). This variant has not been reported in the literature in individuals affected with SAMD11-related conditions. The frequency data for this variant in the population databases is considered unreliable, as metrics indicate poor data quality at this position in the gnomAD database. This sequence change replaces leucine, which is neutral and non-polar, with valine, which is neutral and non-polar, at codon 680 of the SAMD11 protein (p.Leu680Val).